The following is an entry in ClinVar:

ClinVar aggregate classification (germline): Uncertain significance (1 of 4 stars; one submission).

Conditions:
Intellectual disability, autosomal dominant 16 (CSS4). Also called: COFFIN-SIRIS SYNDROME 4. Identifiers: Orphanet 1465, MedGen C3553249, MONDO:0013821, OMIM 614609.

Submission:

Dasa
Classification: Uncertain significance for Intellectual disability, autosomal dominant 16. Last evaluated: 2025-02-25. Review status: criteria provided, single submitter. Criteria: DASA Assertion Criteria. Collection method: clinical testing. Allele origin: germline.
Comment: NM_003072.5(SMARCA4):c.4294_4336dup (p.Pro1446Argfs*23) is a frameshift variant in SMARCA4 predicted to alter the reading frame and introduce a premature termination codon. This variant is absent from population databases. The currently available literature and clinical evidence are not sufficient to establish a definitive association between this variant and the reported condition. Therefore, this variant is classified as a variant of uncertain significance.

NM_003072.5(SMARCA4):c.4294_4336dup (p.Pro1446fs)

Gene: SMARCA4 (SWI/SNF related BAF chromatin remodeling complex subunit ATPase 4; plus strand). Cytogenetic location: 19p13.2.
Variant type: Duplication.
Coding change: c.4294_4336dup on transcript NM_003072.5 (MANE Select); coding-DNA positions 4294 to 4336, 43 bases duplicated.
Protein change: p.Pro1446fs; shifts the reading frame from proline 1446.
Molecular consequence: frameshift variant. On other transcripts: non-coding transcript variant (1).
Genome position (GRCh38, 1-based): chr19:11,041,430-11,041,472, 43 bases duplicated; duplicating any 43 consecutive bases within chr19:11,041,428-11,041,472 gives the same sequence; the c. name uses the placement nearest the transcript's 3' end. GRCh37 (hg19): chr19:11,152,106-11,152,148.
Other names: c.4294_4336dup, p.Pro1446fs (NM_001128844.3); c.4204_4246dup, p.Pro1416fs (NM_001128845.2, NM_001128846.2); c.4195_4237dup, p.Pro1413fs (NM_001128847.4, NM_001128848.2, NM_001374457.1); c.4390_4432dup, p.Pro1478fs (NM_001128849.3, NM_001387283.1); c.4291_4333dup, p.Pro1445fs (NM_001411150.1); short protein forms P1413fs, P1416fs, P1445fs, P1446fs, P1478fs.
Identifiers: ClinVar variation 4884149 (VCV004884149.2).